The following is an entry in ClinVar:

NM_138383.3(MTSS2):c.1168G>A (p.Ala390Thr)

Gene: MTSS2 (MTSS I-BAR domain containing 2; minus strand). Cytogenetic location: 16q22.1.
Variant type: single nucleotide variant.
Coding change: c.1168G>A on transcript NM_138383.3 (MANE Select); coding-DNA position 1168, G replaced by A.
Protein change: p.Ala390Thr; replaces alanine 390 with threonine.
Molecular consequence: missense variant.
Genome position (GRCh38, 1-based): chr16:70,665,057, C>T on the plus strand (G>A on the coding strand, the complement: MTSS2 is on the minus strand). VCF-style: chr16-70665057-C-T. GRCh37 (hg19) VCF-style: chr16-70698960-C-T.
Other names: short protein forms A390T.
Identifiers: ClinVar variation 4083753 (VCV004083753.8).

ClinVar aggregate classification (germline): Likely benign (1 of 4 stars; one submission).

gnomAD v4.1: 335 of 1,597,726 alleles (0.021%); highest among the groups gnomAD compares: South Asian, 0.27%; 3 homozygotes.

Submission:

CeGaT Center for Human Genetics Tuebingen
Classification: Likely benign. Last evaluated: 2025-08-01. Review status: criteria provided, single submitter. Criteria: CeGaT Center For Human Genetics Tuebingen Variant Classification Criteria Version 2. Collection method: clinical testing. Allele origin: germline. Affected: yes. Observed: 1 variant allele.
Comment: MTSS2: BP4, BS1